The following is an entry in ClinVar:

NM_005334.3(HCFC1):c.2203A>G (p.Ile735Val)

Gene: HCFC1 (host cell factor C1; minus strand). Cytogenetic location: Xq28.
Variant type: single nucleotide variant.
Coding change: c.2203A>G on transcript NM_005334.3 (MANE Select); coding-DNA position 2203, A replaced by G.
Protein change: p.Ile735Val; replaces isoleucine 735 with valine.
Molecular consequence: missense variant.
Genome position (GRCh38, 1-based): chrX:153,957,464, T>C on the plus strand (A>G on the coding strand, the complement: HCFC1 is on the minus strand). VCF-style: chrX-153957464-T-C. GRCh37 (hg19) VCF-style: chrX-153222915-T-C.
Other names: c.2203A>G, p.Ile735Val (NM_001410705.1, NM_001440843.1, NM_001440844.1 and 5 more transcripts); c.2005A>G, p.Ile669Val (NM_001440850.1, NM_001440851.1); short protein forms I669V, I735V.
Identifiers: ClinVar variation 4714852 (VCV004714852.1).

ClinVar aggregate classification (germline): Uncertain significance (1 of 4 stars; one submission).

Conditions:
Methylmalonic acidemia with homocystinuria, type cblX (MAHCX). Also called: INTELLECTUAL DEVELOPMENTAL DISORDER, X-LINKED 3. Identifiers: Orphanet 369962, MedGen C0796208, MONDO:0010657, OMIM 309541.

Submission:

Labcorp Genetics (formerly Invitae), Labcorp
Classification: Uncertain significance for Methylmalonic acidemia with homocystinuria, type cblX. Last evaluated: 2025-03-11. Review status: criteria provided, single submitter. Criteria: Invitae Variant Classification Sherloc (09022015). Collection method: clinical testing. Allele origin: germline.
Comment: This sequence change replaces isoleucine, which is neutral and non-polar, with valine, which is neutral and non-polar, at codon 735 of the HCFC1 protein (p.Ile735Val). This variant is not present in population databases (gnomAD no frequency). This variant has not been reported in the literature in individuals affected with HCFC1-related conditions. An algorithm developed to predict the effect of missense changes on protein structure and function (PolyPhen-2) suggests that this variant is likely to be disruptive. In summary, the available evidence is currently insufficient to determine the role of this variant in disease. Therefore, it has been classified as a Variant of Uncertain Significance.